The following is an entry in ClinVar:

NM_006277.3(ITSN2):c.3633_3644del (p.Gln1211_Ile1214del)

Gene: ITSN2 (intersectin 2; minus strand). Cytogenetic location: 2p23.3.
Variant type: Deletion.
Coding change: c.3633_3644del on transcript NM_006277.3 (MANE Select); coding-DNA positions 3633 to 3644, 12 bases deleted (GGGCTATATTCA).
Protein change: p.Gln1211_Ile1214del.
Genome position (GRCh38, 1-based): chr2:24,221,000-24,221,011, TGAATATAGCCC deleted on the plus strand (GGGCTATATTCA on the coding strand, the reverse complement: ITSN2 is on the minus strand); deleting any 12 consecutive bases within chr2:24,221,000-24,221,013 gives the same sequence; the c. name uses the placement nearest the transcript's 3' end. VCF-style (leftmost placement, unchanged base first): chr2-24220999-ATGAATATAGCCC-A. GRCh37 (hg19) VCF-style: chr2-24443868-ATGAATATAGCCC-A.
Other names: c.3591_3602del, p.Gln1197_Ile1200del (NM_001348181.2); c.3513_3524del, p.Gln1171_Ile1174del (NM_001348182.2); c.3552_3563del, p.Gln1184_Ile1187del (NM_019595.4); c.3633_3644del, p.Gln1211_Ile1214del (NM_147152.3).
Identifiers: ClinVar variation 4780792 (VCV004780792.1).

ClinVar aggregate classification (germline): Uncertain significance (1 of 4 stars; one submission).

Submission:

Labcorp Genetics (formerly Invitae), Labcorp
Classification: Uncertain significance. Last evaluated: 2025-09-21. Review status: criteria provided, single submitter. Criteria: Invitae Variant Classification Sherloc (09022015). Collection method: clinical testing. Allele origin: germline.
Comment: This variant, c.3633_3644del, results in the deletion of 4 amino acid(s) of the ITSN2 protein (p.Gln1211_Ile1214del), but otherwise preserves the integrity of the reading frame. This variant is present in population databases (no rsID available, gnomAD 0.003%). This variant has not been reported in the literature in individuals affected with ITSN2-related conditions. Experimental studies and prediction algorithms are not available or were not evaluated, and the functional significance of this variant is currently unknown. In summary, the available evidence is currently insufficient to determine the role of this variant in disease. Therefore, it has been classified as a Variant of Uncertain Significance.